The following is an entry in ClinVar:

ClinVar aggregate classification (germline): Uncertain significance (1 of 4 stars; one submission).

Conditions:
Dilated cardiomyopathy 1O (CMD1O). Also called: CARDIOMYOPATHY, DILATED, WITH VENTRICULAR TACHYCARDIA. Identifiers: Orphanet 154, MedGen C1837839, MONDO:0012062, OMIM 608569.

Submission:

Labcorp Genetics (formerly Invitae), Labcorp
Classification: Uncertain significance for Dilated cardiomyopathy 1O. Last evaluated: 2025-06-15. Review status: criteria provided, single submitter. Criteria: Invitae Variant Classification Sherloc (09022015). Collection method: clinical testing. Allele origin: germline.
Comment: This sequence change replaces histidine, which is basic and polar, with glutamine, which is neutral and polar, at codon 1383 of the ABCC9 protein (p.His1383Gln). This variant is not present in population databases (gnomAD no frequency). This variant has not been reported in the literature in individuals affected with ABCC9-related conditions. Invitae Evidence Modeling of protein sequence and biophysical properties (such as structural, functional, and spatial information, amino acid conservation, physicochemical variation, residue mobility, and thermodynamic stability) indicates that this missense variant is not expected to disrupt ABCC9 protein function with a negative predictive value of 95%. In summary, the available evidence is currently insufficient to determine the role of this variant in disease. Therefore, it has been classified as a Variant of Uncertain Significance.

NM_020297.4(ABCC9):c.4149C>A (p.His1383Gln)

Genes: ABCC9 (ATP binding cassette subfamily C member 9; minus strand), KCNJ8-AS1 (KCNJ8 antisense RNA 1; plus strand). Cytogenetic location: 12p12.1.
Variant type: single nucleotide variant.
Coding change: c.4149C>A on transcript NM_020297.4 (MANE Select); coding-DNA position 4149, C replaced by A.
Protein change: p.His1383Gln; replaces histidine 1383 with glutamine.
Molecular consequence: missense variant.
Genome position (GRCh38, 1-based): chr12:21,812,111, G>T on the plus strand (C>A on the coding strand, the complement: ABCC9 is on the minus strand). VCF-style: chr12-21812111-G-T. GRCh37 (hg19) VCF-style: chr12-21965045-G-T.
Other names: c.4149C>A, p.His1383Gln (NM_001377273.1, NM_005691.4); c.3282C>A, p.His1094Gln (NM_001377274.1); short protein forms H1094Q, H1383Q.
Identifiers: ClinVar variation 4692638 (VCV004692638.1).